The following is an entry in ClinVar:

NM_002408.4(MGAT2):c.411A>T (p.Ser137=)

Gene: MGAT2 (alpha-1,6-mannosyl-glycoprotein 2-beta-N-acetylglucosaminyltransferase; plus strand). Cytogenetic location: 14q21.3.
Variant type: single nucleotide variant.
Coding change: c.411A>T on transcript NM_002408.4 (MANE Select); coding-DNA position 411, A replaced by T.
Protein change: p.Ser137=; no amino-acid change (serine 137 retained).
Molecular consequence: synonymous variant.
Genome position (GRCh38, 1-based): chr14:49,621,679, A>T. VCF-style: chr14-49621679-A-T. GRCh37 (hg19) VCF-style: chr14-50088397-A-T.
Identifiers: ClinVar variation 680170 (VCV000680170.3), dbSNP rs920507248, ClinGen allele CA486349885.

ClinVar aggregate classification (germline): Likely benign. Review status: criteria provided, multiple submitters, no conflicts (2 of 4 stars). 2 submissions from 2 submitters: Likely benign (2). Last evaluated 2024-03-08.

Allele frequency attached by ClinVar (database versions not stated): TOPMed below 0.00001.

Submissions (2):

Women's Health and Genetics/Laboratory Corporation of America, LabCorp
Classification: Likely benign. Last evaluated: 2024-03-08. Review status: criteria provided, single submitter. Criteria: LabCorp Variant Classification Summary - May 2015. Collection method: clinical testing. Allele origin: germline.

GeneDx
Classification: Likely benign. Last evaluated: 2018-03-13. Review status: criteria provided, single submitter. Criteria: GeneDx Variant Classification (06012015). Collection method: clinical testing. Allele origin: germline. Affected: yes.
Comment: This variant is considered likely benign or benign based on one or more of the following criteria: it is a conservative change, it occurs at a poorly conserved position in the protein, it is predicted to be benign by multiple in silico algorithms, and/or has population frequency not consistent with disease.